The following is an entry in ClinVar:

NM_018912.3(PCDHGA1):c.2421+22543G>A

Genes: PCDHG@ (protocadherin gamma cluster; plus strand), PCDHGA1 (protocadherin gamma subfamily A, 1; plus strand), PCDHGA2 (protocadherin gamma subfamily A, 2; plus strand), PCDHGA3 (protocadherin gamma subfamily A, 3; plus strand), PCDHGA4 (protocadherin gamma subfamily A, 4; plus strand) and 1 more. Cytogenetic location: 5q31.3.
Variant type: single nucleotide variant.
Coding change: c.2421+22543G>A on transcript NM_018912.3 (MANE Select); 22543 bases into the intron after coding-DNA position 2421, G replaced by A.
Molecular consequence: intron variant. On other transcripts: missense variant (2).
Genome position (GRCh38, 1-based): chr5:141,355,648, G>A. VCF-style: chr5-141355648-G-A. GRCh37 (hg19) VCF-style: chr5-140735215-G-A.
Other names: c.541G>A, p.Ala181Thr (NM_018917.4, NM_032053.3); c.2424+14253G>A (NM_018915.4); c.2424+9191G>A (NM_018916.4); c.2409+2979G>A (NM_018922.3); short protein forms A181T.
Identifiers: ClinVar variation 1273895 (VCV001273895.1), dbSNP rs11575949, ClinGen allele CA3468982.

ClinVar aggregate classification (germline): Benign (1 of 4 stars; one submission).

Allele frequency attached by ClinVar (database versions not stated): ExAC 0.09919; 1000 Genomes Project 0.12979; 1000 Genomes Project 30x 0.13726; gnomAD 0.14183 and 0.14695; TOPMed 0.14651; ESP Exome Variant Server 0.14672.
gnomAD v4.1: 152,832 of 1,613,828 alleles (9.5%); highest among the groups gnomAD compares: African/African-American, 29%; 8,961 homozygotes.

Submission:

GeneDx
Classification: Benign. Last evaluated: 2019-01-18. Review status: criteria provided, single submitter. Criteria: GeneDx Variant Classification Process June 2021. Collection method: clinical testing. Allele origin: germline. Affected: yes.
Comment: This variant is associated with the following publications: (PMID: 29409727)